The following is an entry in ClinVar:

ClinVar aggregate classification (germline): Uncertain significance. Review status: criteria provided, multiple submitters, no conflicts (2 of 4 stars). 3 submissions from 3 submitters: Uncertain significance (3). Last evaluated 2025-07-28.

Conditions:
Costello syndrome (CSTLO). Also called: HRAS-Related Costello Syndrome; FACIOCUTANEOSKELETAL SYNDROME; FCS SYNDROME. Identifiers: Orphanet 3071, MedGen C0587248, MONDO:0009026, OMIM 218040.

Allele frequency attached by ClinVar (database versions not stated): gnomAD exomes 0.00001.
gnomAD v4.1: 7 of 1,613,322 alleles (0.00043%); highest among the groups gnomAD compares: East Asian, 0.016%; no homozygotes.

Submissions (3):

Labcorp Genetics (formerly Invitae), Labcorp
Classification: Uncertain significance for Costello syndrome. Last evaluated: 2025-07-28. Review status: criteria provided, single submitter. Criteria: Invitae Variant Classification Sherloc (09022015). Collection method: clinical testing. Allele origin: germline.
Comment: This sequence change replaces phenylalanine, which is neutral and non-polar, with serine, which is neutral and polar, at codon 90 of the HRAS protein (p.Phe90Ser). This variant is not present in population databases (gnomAD no frequency). This variant has not been reported in the literature in individuals affected with HRAS-related conditions. ClinVar contains an entry for this variant (Variation ID: 1010014). Invitae Evidence Modeling of protein sequence and biophysical properties (such as structural, functional, and spatial information, amino acid conservation, physicochemical variation, residue mobility, and thermodynamic stability) indicates that this missense variant is expected to disrupt HRAS protein function with a positive predictive value of 95%. In summary, the available evidence is currently insufficient to determine the role of this variant in disease. Therefore, it has been classified as a Variant of Uncertain Significance.

Dasa
Classification: Uncertain significance for Costello syndrome. Last evaluated: 2025-06-09. Review status: criteria provided, single submitter. Criteria: DASA Assertion Criteria. Collection method: clinical testing. Allele origin: germline.
Comment: NM_005343.4(HRAS):c.269T>C (p.Phe90Ser) is a missense variant that results in the substitution of phenylalanine with serine. This variant is rare in population databases. Computational prediction algorithms are consistent with a deleterious effect. The currently available literature and clinical evidence are not sufficient to establish a definitive association between this variant and the reported condition. Therefore, this variant is classified as a variant of uncertain significance.

GeneDx
Classification: Uncertain significance. Last evaluated: 2024-05-03. Review status: criteria provided, single submitter. Criteria: GeneDx Variant Classification Process June 2021. Collection method: clinical testing. Allele origin: germline. Affected: yes.
Comment: Has not been previously published as pathogenic or benign to our knowledge; Not observed at significant frequency in large population cohorts (gnomAD); Missense variants in this gene are a common cause of disease and they are underrepresented in the general population; In silico analysis supports that this missense variant has a deleterious effect on protein structure/function

NM_005343.4(HRAS):c.269T>C (p.Phe90Ser)

Genes: HRAS (HRas proto-oncogene, GTPase; minus strand), LRRC56 (leucine rich repeat containing 56; plus strand). Cytogenetic location: 11p15.5.
Variant type: single nucleotide variant.
Coding change: c.269T>C on transcript NM_005343.4 (MANE Select); coding-DNA position 269, T replaced by C.
Protein change: p.Phe90Ser; replaces phenylalanine 90 with serine.
Molecular consequence: missense variant. On other transcripts: 5 prime UTR variant (1).
Genome position (GRCh38, 1-based): chr11:533,787, A>G on the plus strand (T>C on the coding strand, the complement: HRAS is on the minus strand). VCF-style: chr11-533787-A-G. GRCh37 (hg19) VCF-style: chr11-533787-A-G.
Other names: c.269T>C (NM_005343.2); c.269T>C, p.Phe90Ser (NM_001130442.3, NM_176795.5); c.-51T>C (NM_001318054.2); short protein forms F90S.
Identifiers: ClinVar variation 1010014 (VCV001010014.12), dbSNP rs1589792507, ClinGen allele CA378924377.